The following is an entry in ClinVar:

ClinVar aggregate classification (germline): Uncertain significance. Review status: criteria provided, multiple submitters, no conflicts (2 of 4 stars). 2 submissions from 2 submitters: Uncertain significance (2). Last evaluated 2025-11-10.

gnomAD v4.1: 13 of 1,541,806 alleles (0.00084%); highest among the groups gnomAD compares: Non-Finnish European, 0.0011%; no homozygotes.

Submissions (2):

Labcorp Genetics (formerly Invitae), Labcorp
Classification: Uncertain significance. Last evaluated: 2025-11-10. Review status: criteria provided, single submitter. Criteria: Invitae Variant Classification Sherloc (09022015). Collection method: clinical testing. Allele origin: germline.
Comment: This sequence change replaces serine, which is neutral and polar, with threonine, which is neutral and polar, at codon 1066 of the RNF31 protein (p.Ser1066Thr). This variant is present in population databases (rs368767945, gnomAD 0.002%). This variant has not been reported in the literature in individuals affected with RNF31-related conditions. ClinVar contains an entry for this variant (Variation ID: 2086918). An algorithm developed to predict the effect of missense changes on protein structure and function (PolyPhen-2) suggests that this variant is likely to be tolerated. In summary, the available evidence is currently insufficient to determine the role of this variant in disease. Therefore, it has been classified as a Variant of Uncertain Significance.

Ambry Genetics
Classification: Uncertain significance. Last evaluated: 2025-04-12. Review status: criteria provided, single submitter. Criteria: Ambry Variant Classification Scheme 2023. Collection method: clinical testing. Allele origin: germline.

NM_017999.5(RNF31):c.3197G>C (p.Ser1066Thr)

Gene: RNF31 (ring finger protein 31; plus strand). Cytogenetic location: 14q12.
Variant type: single nucleotide variant.
Coding change: c.3197G>C on transcript NM_017999.5 (MANE Select); coding-DNA position 3197, G replaced by C.
Protein change: p.Ser1066Thr; replaces serine 1066 with threonine.
Molecular consequence: missense variant.
Genome position (GRCh38, 1-based): chr14:24,160,551, G>C. VCF-style: chr14-24160551-G-C. GRCh37 (hg19) VCF-style: chr14-24629760-G-C.
Other names: c.2744G>C, p.Ser915Thr (NM_001310332.2); short protein forms S1066T, S915T.
Identifiers: ClinVar variation 2086918 (VCV002086918.5), dbSNP rs368767945, ClinGen allele CA7126305.